The following is an entry in ClinVar:

NM_002292.4(LAMB2):c.2063C>G (p.Ser688Cys)

Gene: LAMB2 (laminin subunit beta 2; minus strand). Cytogenetic location: 3p21.31.
Variant type: single nucleotide variant.
Coding change: c.2063C>G on transcript NM_002292.4 (MANE Select); coding-DNA position 2063, C replaced by G.
Protein change: p.Ser688Cys; replaces serine 688 with cysteine.
Molecular consequence: missense variant.
Genome position (GRCh38, 1-based): chr3:49,126,453, G>C on the plus strand (C>G on the coding strand, the complement: LAMB2 is on the minus strand). VCF-style: chr3-49126453-G-C. GRCh37 (hg19) VCF-style: chr3-49163886-G-C.
Other names: short protein forms S688C.
Identifiers: ClinVar variation 1908414 (VCV001908414.5), dbSNP rs1560074239, ClinGen allele CA352727877.

ClinVar aggregate classification (germline): Uncertain significance (1 of 4 stars; one submission).

Conditions:
LAMB2-related infantile-onset nephrotic syndrome. Also called: Nephrotic Syndrome, type 5; NEPHROTIC SYNDROME, TYPE 5, WITHOUT OCULAR ABNORMALITIES; NEPHROTIC SYNDROME, TYPE 5, WITH OCULAR ABNORMALITIES. Identifiers: Orphanet 306507, MedGen C3280113, MONDO:0013621, OMIM 614199.
Pierson syndrome. Also called: MICROCORIA-CONGENITAL NEPHROTIC SYNDROME. Identifiers: Orphanet 2670, MedGen C1836876, MONDO:0012184, OMIM 609049.

gnomAD v4.1: 1 of 1,614,178 alleles (0.000062%); no homozygotes.

Submission:

Labcorp Genetics (formerly Invitae), Labcorp
Classification: Uncertain significance for LAMB2-related infantile-onset nephrotic syndrome; Pierson syndrome. Last evaluated: 2022-06-16. Review status: criteria provided, single submitter. Criteria: Invitae Variant Classification Sherloc (09022015). Collection method: clinical testing. Allele origin: germline.
Comment: This sequence change replaces serine, which is neutral and polar, with cysteine, which is neutral and slightly polar, at codon 688 of the LAMB2 protein (p.Ser688Cys). This variant is not present in population databases (gnomAD no frequency). This variant has not been reported in the literature in individuals affected with LAMB2-related conditions. Algorithms developed to predict the effect of missense changes on protein structure and function are either unavailable or do not agree on the potential impact of this missense change (SIFT: "Deleterious"; PolyPhen-2: "Possibly Damaging"; Align-GVGD: "Class C15"). In summary, the available evidence is currently insufficient to determine the role of this variant in disease. Therefore, it has been classified as a Variant of Uncertain Significance.